The following is an entry in ClinVar:

ClinVar aggregate classification (germline): Uncertain significance. Review status: criteria provided, multiple submitters, no conflicts (2 of 4 stars). 2 submissions from 2 submitters: Uncertain significance (2). Last evaluated 2024-04-23.

Conditions:
Inborn genetic diseases. Identifiers: MedGen C0950123, MeSH D030342.
Autosomal dominant Parkinson disease 8. Also called: Parkinson disease 8, susceptibility to; LRRK2-Related Parkinson Disease; Parkinson disease 8. Identifiers: Orphanet 411602, MedGen C1846862, MONDO:0011764, OMIM 607060.

Allele frequency attached by ClinVar (database versions not stated): TOPMed 0.00003.
gnomAD v4.1: 5 of 1,612,740 alleles (0.00031%); highest among the groups gnomAD compares: Admixed American, 0.0033%; no homozygotes.

Submissions (2):

Ambry Genetics
Classification: Uncertain significance for Inborn genetic diseases. Last evaluated: 2024-04-23. Review status: criteria provided, single submitter. Criteria: Ambry Variant Classification Scheme 2023. Collection method: clinical testing. Allele origin: germline.

Labcorp Genetics (formerly Invitae), Labcorp
Classification: Uncertain significance for Autosomal dominant Parkinson disease 8. Last evaluated: 2022-09-22. Review status: criteria provided, single submitter. Criteria: Invitae Variant Classification Sherloc (09022015). Collection method: clinical testing. Allele origin: germline.
Comment: This variant is present in population databases (no rsID available, gnomAD 0.006%). In summary, the available evidence is currently insufficient to determine the role of this variant in disease. Therefore, it has been classified as a Variant of Uncertain Significance. Algorithms developed to predict the effect of missense changes on protein structure and function output the following: SIFT: "Deleterious"; PolyPhen-2: "Benign"; Align-GVGD: "Class C0". The phenylalanine amino acid residue is found in multiple mammalian species, which suggests that this missense change does not adversely affect protein function. This variant has not been reported in the literature in individuals affected with LRRK2-related conditions. This sequence change replaces serine, which is neutral and polar, with phenylalanine, which is neutral and non-polar, at codon 1124 of the LRRK2 protein (p.Ser1124Phe).

NM_198578.4(LRRK2):c.3371C>T (p.Ser1124Phe)

Gene: LRRK2 (leucine rich repeat kinase 2; plus strand). Cytogenetic location: 12q12.
Variant type: single nucleotide variant.
Coding change: c.3371C>T on transcript NM_198578.4 (MANE Select); coding-DNA position 3371, C replaced by T.
Protein change: p.Ser1124Phe; replaces serine 1124 with phenylalanine.
Molecular consequence: missense variant.
Genome position (GRCh38, 1-based): chr12:40,299,132, C>T. VCF-style: chr12-40299132-C-T. GRCh37 (hg19) VCF-style: chr12-40692934-C-T.
Other names: c.3371C>T (NM_198578.3); short protein forms S1124F.
Identifiers: ClinVar variation 2063242 (VCV002063242.5), dbSNP rs1349086079, ClinGen allele CA384415523.